The following is an entry in ClinVar:

ClinVar aggregate classification (germline): Conflicting classifications of pathogenicity. Review status: criteria provided, conflicting classifications (1 of 4 stars). 5 submissions from 5 submitters: Uncertain significance (3); Likely benign (2). Last evaluated 2024-03-03.

Conditions:
Dilated cardiomyopathy 1G (CMD1G). Identifiers: Orphanet 154, MedGen C1858763, MONDO:0011400, OMIM 604145.
Myopathy, myofibrillar, 9, with early respiratory failure (MFM9). Also called: Hereditary myopathy with early respiratory failure; EDSTROM MYOPATHY; MYOPATHY, PROXIMAL, WITH EARLY RESPIRATORY MUSCLE INVOLVEMENT; Myopathy, distal, with early respiratory failure, autosomal dominant. Identifiers: Orphanet 178464, Orphanet 34521, MedGen C1863599, MONDO:0011362, OMIM 603689.
Autosomal recessive limb-girdle muscular dystrophy type 2J (LGMDR10). Also called: Limb-girdle muscular dystrophy, type 2J; MUSCULAR DYSTROPHY, LIMB-GIRDLE, AUTOSOMAL RECESSIVE 10. Identifiers: Orphanet 140922, MedGen C1837342, MONDO:0012127, OMIM 608807.
Hypertrophic cardiomyopathy 9. Also called: Familial hypertrophic cardiomyopathy 9. Identifiers: MedGen C1861065, MONDO:0013412, OMIM 613765.
Tibial muscular dystrophy (TMD). Also called: Tibial muscular dystrophy, tardive; UDD MYOPATHY; Udd Distal Myopathy – Tibial Muscular Dystrophy. Identifiers: Orphanet 609, MedGen C1838244, MONDO:0010870, OMIM 600334.
Early-onset myopathy with fatal cardiomyopathy (CMYO5). Also called: CONGENITAL MYOPATHY 5 WITH CARDIOMYOPATHY; Salih Myopathy. Identifiers: Orphanet 289377, MedGen C2673677, MONDO:0012714, OMIM 611705. Disease mechanism: loss of function.
Cardiovascular phenotype. Identifiers: MedGen CN230736.

Allele frequency attached by ClinVar (database versions not stated): gnomAD exomes 0.00002; TOPMed 0.00002; ExAC 0.00003; gnomAD 0.00003 and 0.00004; ESP Exome Variant Server 0.00017.
gnomAD v4.1: 41 of 1,613,234 alleles (0.0025%); highest among the groups gnomAD compares: African/African-American, 0.0067%; no homozygotes.

Submissions (5):

Blueprint Genetics
Classification: Likely benign. Last evaluated: 2024-03-03. Review status: criteria provided, single submitter. Criteria: ACMG Guidelines, 2015. Collection method: clinical testing. Allele origin: germline.

Mayo Clinic Laboratories, Mayo Clinic
Classification: Uncertain significance. Last evaluated: 2021-12-01. Review status: criteria provided, single submitter. Criteria: ACMG Guidelines, 2015. Collection method: clinical testing. Allele origin: germline.

Department of Pathology and Laboratory Medicine, Sinai Health System
Classification: Uncertain significance for Tibial muscular dystrophy; Myopathy, myofibrillar, 9, with early respiratory failure; Dilated cardiomyopathy 1G; Autosomal recessive limb-girdle muscular dystrophy type 2J; Early-onset myopathy with fatal cardiomyopathy; Hypertrophic cardiomyopathy 9. Last evaluated: 2020-05-01. Review status: criteria provided, single submitter. Criteria: ACMG Guidelines, 2015. Collection method: research. Allele origin: germline.

Ambry Genetics
Classification: Uncertain significance for Cardiovascular phenotype. Last evaluated: 2019-09-30. Review status: criteria provided, single submitter. Criteria: Ambry Variant Classification Scheme 2023. Collection method: clinical testing. Allele origin: germline.
Comment: The p.Y10254C variant (also known as c.30761A>G), located in coding exon 123 of the TTN gene, results from an A to G substitution at nucleotide position 30761. The tyrosine at codon 10254 is replaced by cysteine, an amino acid with highly dissimilar properties. This amino acid position is highly conserved in available vertebrate species. In addition, the in silico prediction for this alteration is inconclusive. Since supporting evidence is limited at this time, the clinical significance of this alteration remains unclear.

GeneDx
Classification: Likely benign. Last evaluated: 2018-05-22. Review status: criteria provided, single submitter. Criteria: GeneDx Variant Classification (06012015). Collection method: clinical testing. Allele origin: germline. Affected: yes.
Comment: This variant is considered likely benign or benign based on one or more of the following criteria: it is a conservative change, it occurs at a poorly conserved position in the protein, it is predicted to be benign by multiple in silico algorithms, and/or has population frequency not consistent with disease.

NM_001267550.2(TTN):c.57956A>G (p.Tyr19319Cys)

Genes: TTN (titin; minus strand), TTN-AS1 (TTN antisense RNA 1; plus strand). Cytogenetic location: 2q31.2.
Variant type: single nucleotide variant.
Coding change: c.57956A>G on transcript NM_001267550.2 (MANE Select); coding-DNA position 57956, A replaced by G.
Protein change: p.Tyr19319Cys; replaces tyrosine 19319 with cysteine.
Molecular consequence: missense variant.
Genome position (GRCh38, 1-based): chr2:178,594,538, T>C on the plus strand (A>G on the coding strand, the complement: TTN is on the minus strand). VCF-style: chr2-178594538-T-C. GRCh37 (hg19) VCF-style: chr2-179459265-T-C.
Other names: p.Tyr16751Cys; c.53033A>G, p.Tyr17678Cys (NM_001256850.1); c.30761A>G, p.Tyr10254Cys (NM_003319.4); c.50252A>G, p.Tyr16751Cys (NM_133378.4); c.31136A>G, p.Tyr10379Cys (NM_133432.3); c.31337A>G, p.Tyr10446Cys (NM_133437.4); short protein forms Y10379C, Y10446C, Y10254C, Y17678C, Y19319C, Y16751C.
Identifiers: ClinVar variation 676590 (VCV000676590.9), dbSNP rs369082749, ClinGen allele CA1992955.